The following is an entry in ClinVar:

ClinVar aggregate classification (germline): Uncertain significance. Review status: criteria provided, multiple submitters, no conflicts (2 of 4 stars). 2 submissions from 2 submitters: Uncertain significance (2). Last evaluated 2024-03-27.

Conditions:
Cardiovascular phenotype. Identifiers: MedGen CN230736.
Progressive familial heart block type IB (PFHB1B). Identifiers: Orphanet 871, MedGen C1970298, MONDO:0011474, OMIM 604559.

Allele frequency attached by ClinVar (database versions not stated): ExAC 0.00003.
gnomAD v4.1: 15 of 1,613,740 alleles (0.00093%); highest among the groups gnomAD compares: East Asian, 0.013%; no homozygotes.

Submissions (2):

Ambry Genetics
Classification: Uncertain significance for Cardiovascular phenotype. Last evaluated: 2024-03-27. Review status: criteria provided, single submitter. Criteria: Ambry Variant Classification Scheme 2023. Collection method: clinical testing. Allele origin: germline.
Comment: The p.P1003L variant (also known as c.3008C>T), located in coding exon 20 of the TRPM4 gene, results from a C to T substitution at nucleotide position 3008. The proline at codon 1003 is replaced by leucine, an amino acid with similar properties. This amino acid position is conserved. In addition, this alteration is predicted to be tolerated by in silico analysis. Based on the available evidence, the clinical significance of this alteration remains unclear.

Labcorp Genetics (formerly Invitae), Labcorp
Classification: Uncertain significance for Progressive familial heart block type IB. Last evaluated: 2023-08-10. Review status: criteria provided, single submitter. Criteria: Invitae Variant Classification Sherloc (09022015). Collection method: clinical testing. Allele origin: germline.
Comment: In summary, the available evidence is currently insufficient to determine the role of this variant in disease. Therefore, it has been classified as a Variant of Uncertain Significance. An algorithm developed to predict the effect of missense changes on protein structure and function (PolyPhen-2) suggests that this variant is likely to be tolerated. This variant has not been reported in the literature in individuals affected with TRPM4-related conditions. This variant is present in population databases (rs750182517, gnomAD 0.03%). This sequence change replaces proline, which is neutral and non-polar, with leucine, which is neutral and non-polar, at codon 1003 of the TRPM4 protein (p.Pro1003Leu).

NM_017636.4(TRPM4):c.3008C>T (p.Pro1003Leu)

Gene: TRPM4 (transient receptor potential cation channel subfamily M member 4; plus strand). Cytogenetic location: 19q13.33.
Variant type: single nucleotide variant.
Coding change: c.3008C>T on transcript NM_017636.4 (MANE Select); coding-DNA position 3008, C replaced by T.
Protein change: p.Pro1003Leu; replaces proline 1003 with leucine.
Molecular consequence: missense variant.
Genome position (GRCh38, 1-based): chr19:49,202,018, C>T. VCF-style: chr19-49202018-C-T. GRCh37 (hg19) VCF-style: chr19-49705275-C-T.
Other names: c.2573C>T, p.Pro858Leu (NM_001195227.2); c.2663C>T, p.Pro888Leu (NM_001321281.2); c.1400C>T, p.Pro467Leu (NM_001321282.2); c.2486C>T, p.Pro829Leu (NM_001321283.2); c.1946C>T, p.Pro649Leu (NM_001321285.2); c.3008C>T (NM_017636.3); short protein forms P467L, P829L, P1003L, P649L, P858L, P888L.
Identifiers: ClinVar variation 2892009 (VCV002892009.4), dbSNP rs750182517, ClinGen allele CA9569742.